The following is an entry in ClinVar:

ClinVar aggregate classification (germline): Uncertain significance (1 of 4 stars; one submission).

Conditions:
Cardiovascular phenotype. Identifiers: MedGen CN230736.

Allele frequency attached by ClinVar (database versions not stated): gnomAD exomes below 0.00001.
gnomAD v4.1: 5 of 1,614,160 alleles (0.00031%); highest among the groups gnomAD compares: Non-Finnish European, 0.00042%; no homozygotes.

Submission:

Ambry Genetics
Classification: Uncertain significance for Cardiovascular phenotype. Last evaluated: 2021-10-25. Review status: criteria provided, single submitter. Criteria: Ambry Variant Classification Scheme 2023. Collection method: clinical testing. Allele origin: germline.
Comment: The p.V56E variant (also known as c.167T>A), located in coding exon 2 of the TBX5 gene, results from a T to A substitution at nucleotide position 167. The valine at codon 56 is replaced by glutamic acid, an amino acid with dissimilar properties. This amino acid position is conserved. In addition, this alteration is predicted to be deleterious by in silico analysis. Since supporting evidence is limited at this time, the clinical significance of this alteration remains unclear.

NM_181486.4(TBX5):c.167T>A (p.Val56Glu)

Gene: TBX5 (T-box transcription factor 5; minus strand). Cytogenetic location: 12q24.21.
Variant type: single nucleotide variant.
Coding change: c.167T>A on transcript NM_181486.4 (MANE Select); coding-DNA position 167, T replaced by A.
Protein change: p.Val56Glu; replaces valine 56 with glutamic acid.
Molecular consequence: missense variant.
Genome position (GRCh38, 1-based): chr12:114,401,901, A>T on the plus strand (T>A on the coding strand, the complement: TBX5 is on the minus strand). VCF-style: chr12-114401901-A-T. GRCh37 (hg19) VCF-style: chr12-114839706-A-T.
Other names: c.167T>A, p.Val56Glu (NM_000192.3); c.17T>A, p.Val6Glu (NM_080717.4); short protein forms V56E, V6E.
Identifiers: ClinVar variation 1777885 (VCV001777885.2), dbSNP rs1287994219, ClinGen allele CA386863261.